The following is an entry in ClinVar:

NM_000165.5(GJA1):c.460A>G (p.Thr154Ala)

Gene: GJA1 (gap junction protein alpha 1; plus strand). Cytogenetic location: 6q22.31.
Variant type: single nucleotide variant.
Coding change: c.460A>G on transcript NM_000165.5 (MANE Select); coding-DNA position 460, A replaced by G.
Protein change: p.Thr154Ala; replaces threonine 154 with alanine.
Molecular consequence: missense variant.
Genome position (GRCh38, 1-based): chr6:121,447,307, A>G. VCF-style: chr6-121447307-A-G. GRCh37 (hg19) VCF-style: chr6-121768453-A-G.
Other names: short protein forms T154A.
Identifiers: ClinVar variation 3099928 (VCV003099928.1), dbSNP rs2536821902, ClinGen allele CA365559059.

ClinVar aggregate classification (germline): Pathogenic (1 of 4 stars; one submission).

Conditions:
Inborn genetic diseases. Identifiers: MedGen C0950123, MeSH D030342.

Submission:

Ambry Genetics
Classification: Pathogenic for Inborn genetic diseases. Last evaluated: 2024-02-14. Review status: criteria provided, single submitter. Criteria: Ambry Variant Classification Scheme 2023. Collection method: clinical testing. Allele origin: germline.
Comment: The c.460A>G (p.T154A) alteration is located in exon 2 (coding exon 1) of the GJA1 gene. This alteration results from an A to G substitution at nucleotide position 460, causing the threonine (T) at amino acid position 154 to be replaced by an alanine (A)._x000D_ _x000D_ for autosomal dominant oculodentodigital dysplasia; however, its clinical significance for autosomal recessive oculodentodigital dysplasia is uncertain. This variant was not reported in population-based cohorts in the Genome Aggregation Database (gnomAD). This variant has been determined to be the result of a de novo mutation in one individual with features consistent with autosomal dominant oculodentodigital dysplasia (van Es, 2007). This amino acid position is highly conserved in available vertebrate species. This alteration is predicted to be deleterious by in silico analysis. Based on the available evidence, this alteration is classified as pathogenic.

Literature cited by the submitters: PubMed 17509830.